The following is an entry in ClinVar:

NM_001457.4(FLNB):c.2776G>A (p.Gly926Ser)

Gene: FLNB (filamin B; plus strand). Cytogenetic location: 3p14.3.
Variant type: single nucleotide variant.
Coding change: c.2776G>A on transcript NM_001457.4 (MANE Select); coding-DNA position 2776, G replaced by A.
Protein change: p.Gly926Ser; replaces glycine 926 with serine.
Molecular consequence: missense variant.
Genome position (GRCh38, 1-based): chr3:58,118,902, G>A. VCF-style: chr3-58118902-G-A. GRCh37 (hg19) VCF-style: chr3-58104629-G-A.
Other names: c.2776G>A, p.Gly926Ser (NM_001164317.2, NM_001164318.2, NM_001164319.2); short protein forms G926S.
Identifiers: ClinVar variation 4801698 (VCV004801698.1).

ClinVar aggregate classification (germline): Uncertain significance (1 of 4 stars; one submission).

gnomAD v4.1: 1 of 1,614,086 alleles (0.000062%); highest among the groups gnomAD compares: East Asian, 0.0022%; no homozygotes.

Submission:

Labcorp Genetics (formerly Invitae), Labcorp
Classification: Uncertain significance. Last evaluated: 2025-08-04. Review status: criteria provided, single submitter. Criteria: Invitae Variant Classification Sherloc (09022015). Collection method: clinical testing. Allele origin: germline.
Comment: This sequence change replaces glycine, which is neutral and non-polar, with serine, which is neutral and polar, at codon 926 of the FLNB protein (p.Gly926Ser). This variant is present in population databases (no rsID available, gnomAD 0.006%). This variant has not been reported in the literature in individuals affected with FLNB-related conditions. Invitae Evidence Modeling of protein sequence and biophysical properties (such as structural, functional, and spatial information, amino acid conservation, physicochemical variation, residue mobility, and thermodynamic stability) indicates that this missense variant is not expected to disrupt FLNB protein function with a negative predictive value of 80%. In summary, the available evidence is currently insufficient to determine the role of this variant in disease. Therefore, it has been classified as a Variant of Uncertain Significance.